The following is an entry in ClinVar:

ClinVar aggregate classification (germline): Uncertain significance (1 of 4 stars; one submission).

Conditions:
Cardiovascular phenotype. Identifiers: MedGen CN230736.

Allele frequency attached by ClinVar (database versions not stated): gnomAD exomes below 0.00001.
gnomAD v4.1: 1 of 1,614,206 alleles (0.000062%); highest among the groups gnomAD compares: Non-Finnish European, 0.000085%; no homozygotes.

Submission:

Ambry Genetics
Classification: Uncertain significance for Cardiovascular phenotype. Last evaluated: 2024-02-01. Review status: criteria provided, single submitter. Criteria: Ambry Variant Classification Scheme 2023. Collection method: clinical testing. Allele origin: germline.
Comment: The p.Q136R variant (also known as c.407A>G), located in coding exon 4 of the LDLRAP1 gene, results from an A to G substitution at nucleotide position 407. The glutamine at codon 136 is replaced by arginine, an amino acid with highly similar properties. This amino acid position is conserved. In addition, this alteration is predicted to be tolerated by in silico analysis. Based on the available evidence, the clinical significance of this alteration remains unclear.

NM_015627.3(LDLRAP1):c.407A>G (p.Gln136Arg)

Gene: LDLRAP1 (low density lipoprotein receptor adaptor protein 1; plus strand). Cytogenetic location: 1p36.11.
Variant type: single nucleotide variant.
Coding change: c.407A>G on transcript NM_015627.3 (MANE Select); coding-DNA position 407, A replaced by G.
Protein change: p.Gln136Arg; replaces glutamine 136 with arginine.
Molecular consequence: missense variant.
Genome position (GRCh38, 1-based): chr1:25,557,215, A>G. VCF-style: chr1-25557215-A-G. GRCh37 (hg19) VCF-style: chr1-25883706-A-G.
Other names: short protein forms Q136R.
Identifiers: ClinVar variation 3226699 (VCV003226699.1), dbSNP rs2044223834, ClinGen allele CA339078690.
Genomic context (GRCh38, chr1:25,557,215, plus strand): 5'-TCTCCTATTGCACAGCAGACAAGATGCACGACAAGGTGTTTGCATACATCGCCCAGAGCC[A>G]GCACAACCAGAGCCTCGAGTGCCACGCCTTCCTCTGCACCAAGCGGAAGATGGTCAGCGG-3'
Protein context (NP_056442.2, residues 126-146): DKVFAYIAQS[Gln136Arg]HNQSLECHAF